The following is an entry in ClinVar:

NM_004628.5(XPC):c.780-2A>C

Gene: XPC (XPC complex subunit, DNA damage recognition and repair factor; minus strand). Cytogenetic location: 3p25.1.
Variant type: single nucleotide variant.
Coding change: c.780-2A>C on transcript NM_004628.5 (MANE Select); the canonical splice acceptor site of the intron before coding-DNA position 780, A replaced by C.
Molecular consequence: splice acceptor variant.
Genome position (GRCh38, 1-based): chr3:14,164,935, T>G on the plus strand (A>C on the coding strand, the complement: XPC is on the minus strand). VCF-style: chr3-14164935-T-G. GRCh37 (hg19) VCF-style: chr3-14206435-T-G.
Other names: c.762-2A>C (NM_001354729.2); c.201-2A>C (NM_001354726.2); c.780-2A>C (NM_001354730.2, NM_001354727.2).
Identifiers: ClinVar variation 1500569 (VCV001500569.6), dbSNP rs1696314718, ClinGen allele CA351541889.

ClinVar aggregate classification (germline): Likely pathogenic (1 of 4 stars; one submission).

Submission:

Labcorp Genetics (formerly Invitae), Labcorp
Classification: Likely pathogenic. Last evaluated: 2021-09-19. Review status: criteria provided, single submitter. Criteria: Invitae Variant Classification Sherloc (09022015). Collection method: clinical testing. Allele origin: germline.
Comment: This sequence change affects an acceptor splice site in intron 6 of the XPC gene. It is expected to disrupt RNA splicing. Variants that disrupt the donor or acceptor splice site typically lead to a loss of protein function (PMID: 16199547), and loss-of-function variants in XPC are known to be pathogenic (PMID: 23173980, 25256075). This variant is not present in population databases (ExAC no frequency). This variant has not been reported in the literature in individuals affected with XPC-related conditions. Algorithms developed to predict the effect of sequence changes on RNA splicing suggest that this variant may disrupt the consensus splice site. In summary, the currently available evidence indicates that the variant is pathogenic, but additional data are needed to prove that conclusively. Therefore, this variant has been classified as Likely Pathogenic.

Literature cited by the submitters: PubMed 16199547; PubMed 23173980; PubMed 25256075.